The following is an entry in ClinVar:

ClinVar aggregate classification (germline): Conflicting classifications of pathogenicity. Review status: criteria provided, conflicting classifications (1 of 4 stars). 5 submissions from 5 submitters: Uncertain significance (2); Benign (1); Likely benign (2). Last evaluated 2025-10-27.

Conditions:
Congenital myopathy with internal nuclei and atypical cores. Also called: Myopathy, centronuclear, 4. Identifiers: Orphanet 319160, MedGen C4707232, MONDO:0013890, OMIM 614807.
CCDC78-related disorder. Also called: CCDC78-related condition.
Inborn genetic diseases. Identifiers: MedGen C0950123, MeSH D030342.

Allele frequency attached by ClinVar (database versions not stated): gnomAD exomes 0.00005 and 0.00018; ExAC 0.00050; gnomAD 0.00063 and 0.00068; TOPMed 0.00073; 1000 Genomes Project 30x 0.00078; 1000 Genomes Project 0.00080.
gnomAD v4.1: 164 of 1,543,744 alleles (0.011%); highest among the groups gnomAD compares: African/African-American, 0.18%; no homozygotes.

Submissions (5):

Labcorp Genetics (formerly Invitae), Labcorp
Classification: Likely benign for Congenital myopathy with internal nuclei and atypical cores. Last evaluated: 2025-10-27. Review status: criteria provided, single submitter. Criteria: Invitae Variant Classification Sherloc (09022015). Collection method: clinical testing. Allele origin: germline.

PreventionGenetics, part of Exact Sciences
Classification: Likely benign for CCDC78-related condition. Last evaluated: 2025-03-13. Review status: criteria provided, single submitter. Criteria: ACMG Guidelines, 2015. Collection method: clinical testing. Allele origin: germline.
Comment: This variant is classified as likely benign based on ACMG/AMP sequence variant interpretation guidelines (Richards et al. 2015 PMID: 25741868, with internal and published modifications).

Ambry Genetics
Classification: Uncertain significance for Inborn genetic diseases. Last evaluated: 2024-08-04. Review status: criteria provided, single submitter. Criteria: Ambry Variant Classification Scheme 2023. Collection method: clinical testing. Allele origin: germline.

GeneDx
Classification: Benign. Last evaluated: 2020-09-18. Review status: criteria provided, single submitter. Criteria: GeneDx Variant Classification Process June 2021. Collection method: clinical testing. Allele origin: germline. Affected: yes.

Athena Diagnostics
Classification: Uncertain significance. Last evaluated: 2019-11-22. Review status: criteria provided, single submitter. Criteria: Athena Diagnostics Criteria. Collection method: clinical testing. Allele origin: unknown.

NM_001378030.1(CCDC78):c.23G>A (p.Gly8Asp)

Gene: CCDC78 (coiled-coil domain containing 78; minus strand). Cytogenetic location: 16p13.3.
Variant type: single nucleotide variant.
Coding change: c.23G>A on transcript NM_001378030.1 (MANE Select); coding-DNA position 23, G replaced by A.
Protein change: p.Gly8Asp; replaces glycine 8 with aspartic acid.
Molecular consequence: missense variant. On other transcripts: non-coding transcript variant (3), intron variant (1).
Genome position (GRCh38, 1-based): chr16:726,345, C>T on the plus strand (G>A on the coding strand, the complement: CCDC78 is on the minus strand). VCF-style: chr16-726345-C-T. GRCh37 (hg19) VCF-style: chr16-776345-C-T.
Other names: c.23G>A, p.Gly8Asp (NM_001031737.3, NM_001378031.1); c.-225-260G>A (NM_001378033.1); short protein forms G8D.
Identifiers: ClinVar variation 576318 (VCV000576318.18), dbSNP rs181469519, ClinGen allele CA7789781.
Genomic context (GRCh38, chr16:726,345, plus strand): 5'-GCGGCAAGTCCCAGAGGACTCACATTCTCCACCCGCCGAGAGGGAGGTCCAGGCCTGGGG[C>T]CTGTGGTGGCTGCGTGCTCCATAGGCTAGGGAACCCTGGCCAGCTCCGAGCCCGGTGCTG-3'
Protein context (NP_001364959.1, residues 1-18): MEHAATT[Gly8Asp]PRPGPPSRRV